The following is an entry in ClinVar:

NM_020366.4(RPGRIP1):c.2684C>A (p.Pro895His)

Gene: RPGRIP1 (RPGR interacting protein 1; plus strand). Cytogenetic location: 14q11.2.
Variant type: single nucleotide variant.
Coding change: c.2684C>A on transcript NM_020366.4 (MANE Select); coding-DNA position 2684, C replaced by A.
Protein change: p.Pro895His; replaces proline 895 with histidine.
Molecular consequence: missense variant. On other transcripts: intron variant (4).
Genome position (GRCh38, 1-based): chr14:21,326,147, C>A. VCF-style: chr14-21326147-C-A. GRCh37 (hg19) VCF-style: chr14-21794306-C-A.
Other names: c.1610C>A, p.Pro537His (NM_001377948.1); c.796+1422C>A (NM_001377949.1); c.689-1476C>A (NM_001377523.1, NM_001377950.1); c.191-1476C>A (NM_001377951.1); short protein forms P537H, P895H.
Identifiers: ClinVar variation 1508179 (VCV001508179.8), dbSNP rs2139237508, ClinGen allele CA388869591.

ClinVar aggregate classification (germline): Uncertain significance (1 of 4 stars; one submission).

Conditions:
Leber congenital amaurosis 6 (LCA6). Identifiers: Orphanet 65, MedGen C1854260, MONDO:0013446, OMIM 613826.
Cone-rod dystrophy 13 (CORD13). Identifiers: Orphanet 1872, MedGen C2750720, MONDO:0011987, OMIM 608194.

Allele frequency attached by ClinVar (database versions not stated): gnomAD exomes below 0.00001.
gnomAD v4.1: 2 of 1,574,930 alleles (0.00013%); highest among the groups gnomAD compares: African/African-American, 0.0014%; no homozygotes.

Submission:

Labcorp Genetics (formerly Invitae), Labcorp
Classification: Uncertain significance for Leber congenital amaurosis 6; Cone-rod dystrophy 13. Last evaluated: 2021-05-26. Review status: criteria provided, single submitter. Criteria: Invitae Variant Classification Sherloc (09022015). Collection method: clinical testing. Allele origin: germline.
Comment: In summary, the available evidence is currently insufficient to determine the role of this variant in disease. Therefore, it has been classified as a Variant of Uncertain Significance. Algorithms developed to predict the effect of missense changes on protein structure and function are either unavailable or do not agree on the potential impact of this missense change (SIFT: "Deleterious"; PolyPhen-2: "Probably Damaging"; Align-GVGD: "Class C0"). This variant has not been reported in the literature in individuals with RPGRIP1-related conditions. This variant is not present in population databases (ExAC no frequency). This sequence change replaces proline with histidine at codon 895 of the RPGRIP1 protein (p.Pro895His). The proline residue is highly conserved and there is a moderate physicochemical difference between proline and histidine.